The following is an entry in ClinVar:

ClinVar aggregate classification (germline): Uncertain significance. Review status: criteria provided, multiple submitters, no conflicts (2 of 4 stars). 7 submissions from 7 submitters: Uncertain significance (6). 1 of the submissions does not count toward it. Last evaluated 2025-09-26.

Conditions:
Inborn genetic diseases. Identifiers: MedGen C0950123, MeSH D030342.
CEP290-related disorder. Also called: CEP290-related disorders; CEP290-related condition. Identifiers: MedGen CN239314.
Nephronophthisis. Also called: Juvenile Nephronophthisis. Identifiers: Orphanet 655, MedGen C0687120, MONDO:0019005, HP:0000090.
Meckel-Gruber syndrome. Also called: GRUBER SYNDROME; Dysencephalia splachnocystica; DYSENCEPHALIA SPLANCHNOCYSTICA. Identifiers: Orphanet 564, MedGen C0265215, MONDO:0018921.
Joubert syndrome. Also called: JOUBERT-BOLTSHAUSER SYNDROME; Familial aplasia of the vermis. Identifiers: Orphanet 475, MedGen C5979921, MONDO:0018772.
Joubert syndrome 5 (JBTS5). Identifiers: Orphanet 2318, MedGen C1857780, MONDO:0012432, OMIM 610188.
Meckel syndrome, type 4 (MKS4). Also called: MECKEL-GRUBER SYNDROME, TYPE 4. Identifiers: Orphanet 564, MedGen C1970161, MONDO:0012626, OMIM 611134.
Bardet-Biedl syndrome 14 (BBS14). Identifiers: Orphanet 110, MedGen C2673874, MONDO:0014442, OMIM 615991.
Senior-Loken syndrome 6 (SLSN6). Identifiers: Orphanet 3156, MedGen C1857779, MONDO:0012433, OMIM 610189.
Leber congenital amaurosis 10 (LCA10). Identifiers: Orphanet 65, MedGen C1857821, MONDO:0012723, OMIM 611755.
Leber congenital amaurosis (LCA). Also called: Leber's amaurosis. Identifiers: Orphanet 65, MedGen C0339527, MeSH D057130, MONDO:0018998.

Allele frequency attached by ClinVar (database versions not stated): gnomAD exomes below 0.00001 and 0.00004; ExAC 0.00001; gnomAD 0.00002; TOPMed 0.00002; ESP Exome Variant Server 0.00009.

Submissions (7):

Ambry Genetics
Classification: Uncertain significance for Inborn genetic diseases. Last evaluated: 2025-09-26. Review status: criteria provided, single submitter. Criteria: Ambry Variant Classification Scheme 2023. Collection method: clinical testing. Allele origin: germline.

PreventionGenetics, part of Exact Sciences
Classification: Uncertain significance for CEP290-related condition. Last evaluated: 2024-12-04. Review status: criteria provided, single submitter. Criteria: ACMG Guidelines, 2015. Collection method: clinical testing. Allele origin: germline.
Comment: The CEP290 c.6023C>T variant is predicted to result in the amino acid substitution p.Ala2008Val. To our knowledge, this variant has not been reported in the literature. This variant is reported in 0.0024% of alleles in individuals of European (Non-Finnish) descent in gnomAD. At this time, the clinical significance of this variant is uncertain due to the absence of conclusive functional and genetic evidence.

Labcorp Genetics (formerly Invitae), Labcorp
Classification: Uncertain significance for Joubert syndrome; Meckel-Gruber syndrome; Nephronophthisis. Last evaluated: 2024-10-08. Review status: criteria provided, single submitter. Criteria: Invitae Variant Classification Sherloc (09022015). Collection method: clinical testing. Allele origin: germline.
Comment: This sequence change replaces alanine, which is neutral and non-polar, with valine, which is neutral and non-polar, at codon 2008 of the CEP290 protein (p.Ala2008Val). This variant is present in population databases (rs376307540, gnomAD 0.002%). This variant has not been reported in the literature in individuals affected with CEP290-related conditions. ClinVar contains an entry for this variant (Variation ID: 451500). Invitae Evidence Modeling of protein sequence and biophysical properties (such as structural, functional, and spatial information, amino acid conservation, physicochemical variation, residue mobility, and thermodynamic stability) has been performed for this missense variant. However, the output from this modeling did not meet the statistical confidence thresholds required to predict the impact of this variant on CEP290 protein function. In summary, the available evidence is currently insufficient to determine the role of this variant in disease. Therefore, it has been classified as a Variant of Uncertain Significance.

Fulgent Genetics
Classification: Uncertain significance for Joubert syndrome 5; Senior-Loken syndrome 6; Meckel syndrome, type 4; Leber congenital amaurosis 10; Bardet-Biedl syndrome 14. Last evaluated: 2024-04-11. Review status: criteria provided, single submitter. Criteria: ACMG Guidelines, 2015. Collection method: clinical testing. Allele origin: germline.

Blueprint Genetics
Classification: Uncertain significance. Last evaluated: 2022-09-01. Review status: criteria provided, single submitter. Criteria: ACMG Guidelines, 2015. Collection method: clinical testing. Allele origin: germline.

GeneDx
Classification: Uncertain significance. Last evaluated: 2017-08-31. Review status: criteria provided, single submitter. Criteria: GeneDx Variant Classification (06012015). Collection method: clinical testing. Allele origin: germline. Affected: yes.
Comment: The A2008V variant in the CEP290 gene has not been reported previously as a pathogenic variant, nor as a benign variant, to our knowledge. This variant is not observed at a significant frequency in large population cohorts (Lek et al., 2016; 1000 Genomes Consortium et al., 2015; Exome Variant Server). The A2008V variant is a conservative amino acid substitution, which is not likely to impact secondary protein structure as these residues share similar properties. This substitution occurs at a position that is conserved across species. In silico analysis is inconsistent in its predictions as to whether or not the variant is damaging to the protein structure/function. We interpret A2008V as a variant of uncertain significance.

Natera, Inc.
Classification: Uncertain significance for Leber congenital amaurosis. Last evaluated: 2020-11-02. Review status: no assertion criteria provided. Collection method: clinical testing. Allele origin: germline. Not counted in ClinVar's aggregate classification.

NM_025114.4(CEP290):c.6023C>T (p.Ala2008Val)

Gene: CEP290 (centrosomal protein 290; minus strand). Cytogenetic location: 12q21.32.
Variant type: single nucleotide variant.
Coding change: c.6023C>T on transcript NM_025114.4 (MANE Select); coding-DNA position 6023, C replaced by T.
Protein change: p.Ala2008Val; replaces alanine 2008 with valine.
Molecular consequence: missense variant.
Genome position (GRCh38, 1-based): chr12:88,068,634, G>A on the plus strand (C>T on the coding strand, the complement: CEP290 is on the minus strand). VCF-style: chr12-88068634-G-A. GRCh37 (hg19) VCF-style: chr12-88462411-G-A.
Other names: short protein forms A2008V.
Identifiers: ClinVar variation 451500 (VCV000451500.11), dbSNP rs376307540, ClinGen allele CA6711590.